The following is an entry in ClinVar:

NM_003873.7(NRP1):c.870G>A (p.Gln290=)

Gene: NRP1 (neuropilin 1; minus strand). Cytogenetic location: 10p11.22.
Variant type: single nucleotide variant.
Coding change: c.870G>A on transcript NM_003873.7 (MANE Select); coding-DNA position 870, G replaced by A.
Protein change: p.Gln290=; no amino-acid change (glutamine 290 retained).
Molecular consequence: synonymous variant. On other transcripts: non-coding transcript variant (1).
Genome position (GRCh38, 1-based): chr10:33,254,139, C>T on the plus strand (G>A on the coding strand, the complement: NRP1 is on the minus strand). VCF-style: chr10-33254139-C-T. GRCh37 (hg19) VCF-style: chr10-33543067-C-T.
Other names: c.870G>A, p.Gln290= (NM_001024628.3, NM_001024629.3, NM_001244972.2 and 2 more transcripts).
Identifiers: ClinVar variation 3355422 (VCV003355422.1).

ClinVar aggregate classification (germline): Likely benign (0 of 4 stars; one submission).

Conditions:
NRP1-related disorder. Also called: NRP1-related condition.

Submission:

PreventionGenetics, part of Exact Sciences
Classification: Likely benign for NRP1-related condition. Last evaluated: 2021-12-21. Review status: no assertion criteria provided. Collection method: clinical testing. Allele origin: germline.
Comment: This variant is classified as likely benign based on ACMG/AMP sequence variant interpretation guidelines (Richards et al. 2015 PMID: 25741868, with internal and published modifications).